The following is an entry in ClinVar:

ClinVar aggregate classification (germline): Likely benign (1 of 4 stars; one submission).

Allele frequency attached by ClinVar (database versions not stated): gnomAD 0.00001; ExAC 0.00002; TOPMed 0.00002.
gnomAD v4.1: 10 of 1,605,926 alleles (0.00062%); highest among the groups gnomAD compares: East Asian, 0.0022%; no homozygotes.

Submission:

CeGaT Center for Human Genetics Tuebingen
Classification: Likely benign. Last evaluated: 2022-10-01. Review status: criteria provided, single submitter. Criteria: CeGaT Center For Human Genetics Tuebingen Variant Classification Criteria Version 2. Collection method: clinical testing. Allele origin: germline. Affected: yes. Observed: 1 variant allele.
Comment: SYCE1: BP4, BP7

NM_001143764.3(SYCE1):c.720G>A (p.Val240=)

Gene: SYCE1 (synaptonemal complex central element protein 1; minus strand). Cytogenetic location: 10q26.3.
Variant type: single nucleotide variant.
Coding change: c.720G>A on transcript NM_001143764.3 (MANE Select); coding-DNA position 720, G replaced by A.
Protein change: p.Val240=; no amino-acid change (valine 240 retained).
Molecular consequence: synonymous variant.
Genome position (GRCh38, 1-based): chr10:133,555,707, C>T on the plus strand (G>A on the coding strand, the complement: SYCE1 is on the minus strand). VCF-style: chr10-133555707-C-T. GRCh37 (hg19) VCF-style: chr10-135369211-C-T.
Other names: c.720G>A, p.Val240= (NM_001143763.2); c.612G>A, p.Val204= (NM_130784.4).
Identifiers: ClinVar variation 2641033 (VCV002641033.24), dbSNP rs768677147, ClinGen allele CA5768067.